The following is an entry in ClinVar:

NM_001563.4(IMPG1):c.1292-3C>A

Gene: IMPG1 (interphotoreceptor matrix proteoglycan 1; minus strand). Cytogenetic location: 6q14.1.
Variant type: single nucleotide variant.
Coding change: c.1292-3C>A on transcript NM_001563.4 (MANE Select); 3 bases into the intron before coding-DNA position 1292, C replaced by A.
Molecular consequence: intron variant.
Genome position (GRCh38, 1-based): chr6:75,951,097, G>T on the plus strand (C>A on the coding strand, the complement: IMPG1 is on the minus strand). VCF-style: chr6-75951097-G-T. GRCh37 (hg19) VCF-style: chr6-76660814-G-T.
Other names: c.1058-3C>A (NM_001282368.2).
Identifiers: ClinVar variation 866420 (VCV000866420.8), dbSNP rs1348537583, ClinGen allele CA568162255.

ClinVar aggregate classification (germline): Uncertain significance. Review status: criteria provided, multiple submitters, no conflicts (2 of 4 stars). 2 submissions from 2 submitters: Uncertain significance (2). Last evaluated 2023-01-23.

Allele frequency attached by ClinVar (database versions not stated): gnomAD exomes below 0.00001; TOPMed below 0.00001; gnomAD 0.00001.
gnomAD v4.1: 3 of 1,583,136 alleles (0.00019%); highest among the groups gnomAD compares: Non-Finnish European, 0.00026%; no homozygotes.

Submissions (2):

Blueprint Genetics
Classification: Uncertain significance. Last evaluated: 2023-01-23. Review status: criteria provided, single submitter. Criteria: ACMG Guidelines, 2015. Collection method: clinical testing. Allele origin: germline.

Labcorp Genetics (formerly Invitae), Labcorp
Classification: Uncertain significance. Last evaluated: 2022-02-03. Review status: criteria provided, single submitter. Criteria: Invitae Variant Classification Sherloc (09022015). Collection method: clinical testing. Allele origin: germline.
Comment: This sequence change falls in intron 12 of the IMPG1 gene. It does not directly change the encoded amino acid sequence of the IMPG1 protein. It affects a nucleotide within the consensus splice site. This variant is present in population databases (no rsID available, gnomAD 0.001%). This variant has not been reported in the literature in individuals affected with IMPG1-related conditions. ClinVar contains an entry for this variant (Variation ID: 866420). Variants that disrupt the consensus splice site are a relatively common cause of aberrant splicing (PMID: 17576681, 9536098). Algorithms developed to predict the effect of sequence changes on RNA splicing suggest that this variant may disrupt the consensus splice site. In summary, the available evidence is currently insufficient to determine the role of this variant in disease. Therefore, it has been classified as a Variant of Uncertain Significance.

Literature cited by the submitters: PubMed 17576681 (cited by Labcorp Genetics (formerly Invitae), Labcorp); PubMed 9536098 (cited by Labcorp Genetics (formerly Invitae), Labcorp).